The following is an entry in ClinVar:

ClinVar aggregate classification (germline): Uncertain significance. Review status: criteria provided, multiple submitters, no conflicts (2 of 4 stars). 2 submissions from 2 submitters: Uncertain significance (2). Last evaluated 2020-07-02.

Submissions (2):

GeneDx
Classification: Uncertain significance. Last evaluated: 2020-07-02. Review status: criteria provided, single submitter. Criteria: GeneDx Variant Classification Process June 2021. Collection method: clinical testing. Allele origin: germline. Affected: yes.
Comment: Not observed in large population cohorts (Lek et al., 2016); In silico analysis supports that this missense variant has a deleterious effect on protein structure/function; Has not been previously published as pathogenic or benign to our knowledge

Eurofins Ntd Llc (ga)
Classification: Uncertain significance. Last evaluated: 2018-08-24. Review status: criteria provided, single submitter. Criteria: EGL ClinVar v180209 classification definitions. Collection method: clinical testing. Allele origin: germline. Observed: 1 variant allele, 1 heterozygote.

NM_024408.4(NOTCH2):c.1019A>G (p.Asp340Gly)

Gene: NOTCH2 (notch receptor 2; minus strand). Cytogenetic location: 1p12.
Variant type: single nucleotide variant.
Coding change: c.1019A>G on transcript NM_024408.4 (MANE Select); coding-DNA position 1019, A replaced by G.
Protein change: p.Asp340Gly; replaces aspartic acid 340 with glycine.
Molecular consequence: missense variant.
Genome position (GRCh38, 1-based): chr1:119,969,600, T>C on the plus strand (A>G on the coding strand, the complement: NOTCH2 is on the minus strand). VCF-style: chr1-119969600-T-C. GRCh37 (hg19) VCF-style: chr1-120512223-T-C.
Other names: c.1019A>G, p.Asp340Gly (NM_001200001.2); short protein forms D340G.
Identifiers: ClinVar variation 598525 (VCV000598525.7), dbSNP rs1557826735, ClinGen allele CA341882726.